The following is an entry in ClinVar:

ClinVar aggregate classification (germline): Uncertain significance. Review status: criteria provided, multiple submitters, no conflicts (2 of 4 stars). 2 submissions from 2 submitters: Uncertain significance (2). Last evaluated 2022-08-09.

Allele frequency attached by ClinVar (database versions not stated): gnomAD 0.00005; gnomAD exomes 0.00005; ExAC 0.00002; TOPMed 0.00004.
gnomAD v4.1: 110 of 1,612,778 alleles (0.0068%); highest among the groups gnomAD compares: Non-Finnish European, 0.0085%; no homozygotes.

Submissions (2):

Labcorp Genetics (formerly Invitae), Labcorp
Classification: Uncertain significance. Last evaluated: 2022-08-09. Review status: criteria provided, single submitter. Criteria: Invitae Variant Classification Sherloc (09022015). Collection method: clinical testing. Allele origin: germline.
Comment: ClinVar contains an entry for this variant (Variation ID: 506259). Algorithms developed to predict the effect of sequence changes on RNA splicing suggest that this variant is not likely to affect RNA splicing. In summary, the available evidence is currently insufficient to determine the role of this variant in disease. Therefore, it has been classified as a Variant of Uncertain Significance. This variant has not been reported in the literature in individuals affected with LHFPL5-related conditions. This sequence change affects codon 216 of the LHFPL5 mRNA. It is a 'silent' change, meaning that it does not change the encoded amino acid sequence of the LHFPL5 protein. It affects a nucleotide within the consensus splice site. This variant is present in population databases (rs17852586, gnomAD 0.007%).

Laboratory for Molecular Medicine, Mass General Brigham Personalized Medicine
Classification: Uncertain significance. Last evaluated: 2018-01-28. Review status: criteria provided, single submitter. Criteria: LMM Criteria. Collection method: clinical testing. Allele origin: germline. Observed: 1 variant allele.
Comment: Variant classified as Uncertain Significance - Favor Benign. The p.Thr216Thr var iant in LHFPL5 has not been previously reported in individuals with hearing loss , but has been identified in 9/126578 European chromosomes by the Genome Aggrega tion Database (gnomAD; dbSNP rs17852586). Alth ough this variant has been seen in the general population, its frequency is not high enough to rule out a pathogenic role. This variant is located in the last t hree bases of the exon, which is part of the 5? splice region. Computational too ls do not predict altered splicing. However, this information is not predictive enough to rule out pathogenicity. In summary, while the clinical significance of the p.Thr216Thr variant is uncertain, these data suggest that it is more likely to be benign. ACMG/AMP Criteria applied: PM2, BP7.

NM_182548.4(LHFPL5):c.648C>T (p.Thr216=)

Gene: LHFPL5 (LHFPL tetraspan subfamily member 5; plus strand). Cytogenetic location: 6p21.31.
Variant type: single nucleotide variant.
Coding change: c.648C>T on transcript NM_182548.4 (MANE Select); coding-DNA position 648, C replaced by T.
Protein change: p.Thr216=; no amino-acid change (threonine 216 retained).
Molecular consequence: synonymous variant.
Genome position (GRCh38, 1-based): chr6:35,814,781, C>T. VCF-style: chr6-35814781-C-T. GRCh37 (hg19) VCF-style: chr6-35782558-C-T.
Identifiers: ClinVar variation 506259 (VCV000506259.9), dbSNP rs17852586, ClinGen allele CA3774465.